The following is an entry in ClinVar:

ClinVar aggregate classification (germline): Uncertain significance (1 of 4 stars; one submission).

gnomAD v4.1: 10 of 1,612,254 alleles (0.00062%); highest among the groups gnomAD compares: East Asian, 0.011%; no homozygotes.

Submission:

Labcorp Genetics (formerly Invitae), Labcorp
Classification: Uncertain significance. Last evaluated: 2024-11-27. Review status: criteria provided, single submitter. Criteria: Invitae Variant Classification Sherloc (09022015). Collection method: clinical testing. Allele origin: germline.
Comment: This sequence change replaces cysteine, which is neutral and slightly polar, with phenylalanine, which is neutral and non-polar, at codon 626 of the DSG1 protein (p.Cys626Phe). This variant is present in population databases (rs533601996, gnomAD 0.02%). This variant has not been reported in the literature in individuals affected with DSG1-related conditions. An algorithm developed to predict the effect of missense changes on protein structure and function outputs the following: PolyPhen-2: "Benign". The phenylalanine amino acid residue is found in multiple mammalian species, which suggests that this missense change does not adversely affect protein function. In summary, the available evidence is currently insufficient to determine the role of this variant in disease. Therefore, it has been classified as a Variant of Uncertain Significance.

NM_001942.4(DSG1):c.1877G>T (p.Cys626Phe)

Genes: DSG1 (desmoglein 1; plus strand), DSG1-AS1 (DSG1 antisense RNA 1; minus strand). Cytogenetic location: 18q12.1.
Variant type: single nucleotide variant.
Coding change: c.1877G>T on transcript NM_001942.4 (MANE Select); coding-DNA position 1877, G replaced by T.
Protein change: p.Cys626Phe; replaces cysteine 626 with phenylalanine.
Molecular consequence: missense variant.
Genome position (GRCh38, 1-based): chr18:31,343,981, G>T. VCF-style: chr18-31343981-G-T. GRCh37 (hg19) VCF-style: chr18-28923944-G-T.
Other names: short protein forms C626F.
Identifiers: ClinVar variation 3629433 (VCV003629433.2).
Genomic context (GRCh38, chr18:31,343,981, plus strand): 5'-TTTAGGATATAACCACTGTCATACCACAAATACCACCTGATAACGCAAATATAATTGAAT[G>T]CATTGACAACTCAGGTAAGAAAAAAGAATTTGTTTAACATCTCAAATGCTTAAGTAGGAA-3'
Protein context (NP_001933.2, residues 616-636): IPPDNANIIE[Cys626Phe]IDNSGVYTNE